The following is an entry in ClinVar:

NM_197968.4(ZMYM2):c.3806G>T (p.Gly1269Val)

Gene: ZMYM2 (zinc finger MYM-type containing 2; plus strand). Cytogenetic location: 13q12.11.
Variant type: single nucleotide variant.
Coding change: c.3806G>T on transcript NM_197968.4 (MANE Select); coding-DNA position 3806, G replaced by T.
Protein change: p.Gly1269Val; replaces glycine 1269 with valine.
Molecular consequence: missense variant. On other transcripts: non-coding transcript variant (1).
Genome position (GRCh38, 1-based): chr13:20,083,018, G>T. VCF-style: chr13-20083018-G-T. GRCh37 (hg19) VCF-style: chr13-20657158-G-T.
Other names: c.3806G>T, p.Gly1269Val (NM_001190964.4, NM_001190965.4, NM_001353157.2 and 4 more transcripts); c.3611G>T, p.Gly1204Val (NM_001353161.3); c.3545G>T, p.Gly1182Val (NM_001353163.2); short protein forms G1182V, G1204V, G1269V.
Identifiers: ClinVar variation 3776440 (VCV003776440.1).
Genomic context (GRCh38, chr13:20,083,018, plus strand): 5'-AAAATCCTTTAACGATGGAAAACAAAGCGTGTCTTCGATACCAAGTGTCTTCCTTGTGTG[G>T]AACAGATAATGAAGGTAGTGTAACAGATTTCTATTTTTATTTTTATTTTTAAATTTTTTT-3'
Protein context (NP_932072.1, residues 1259-1279): CLRYQVSSLC[Gly1269Val]TDNEDKITTG

ClinVar aggregate classification (germline): Uncertain significance (1 of 4 stars; one submission).

Submission:

GeneDx
Classification: Uncertain significance. Last evaluated: 2024-10-02. Review status: criteria provided, single submitter. Criteria: GeneDx Variant Classification Process June 2021. Collection method: clinical testing. Allele origin: germline. Affected: yes.
Comment: Not observed at significant frequency in large population cohorts (gnomAD); In silico analysis supports that this missense variant has a deleterious effect on protein structure/function; Has not been previously published as pathogenic or benign to our knowledge